The following is an entry in ClinVar:

NM_001165963.4(SCN1A):c.709G>A (p.Val237Met)

Gene: SCN1A (sodium voltage-gated channel alpha subunit 1; minus strand). Cytogenetic location: 2q24.3.
Variant type: single nucleotide variant.
Coding change: c.709G>A on transcript NM_001165963.4 (MANE Select); coding-DNA position 709, G replaced by A.
Protein change: p.Val237Met; replaces valine 237 with methionine.
Molecular consequence: missense variant. On other transcripts: 5 prime UTR variant (1), non-coding transcript variant (1).
Genome position (GRCh38, 1-based): chr2:166,051,974, C>T on the plus strand (G>A on the coding strand, the complement: SCN1A is on the minus strand). VCF-style: chr2-166051974-C-T. GRCh37 (hg19) VCF-style: chr2-166908484-C-T.
Other names: c.709G>A, p.Val237Met (NM_001165964.3, NM_001202435.3, NM_001353948.2 and 10 more transcripts); c.-1717G>A (NM_001353961.2); short protein forms V237M.
Identifiers: ClinVar variation 2748614 (VCV002748614.3), dbSNP rs2468225315, ClinGen allele CA349073822.

ClinVar aggregate classification (germline): Uncertain significance (1 of 4 stars; one submission).

Conditions:
Early-infantile DEE. Also called: Ohtahara syndrome; Early infantile epileptic encephalopathy; Early infantile epileptic encephalopathy with suppression bursts. Identifiers: Orphanet 1934, MedGen C0393706, MONDO:0800491.

Allele frequency attached by ClinVar (database versions not stated): gnomAD exomes below 0.00001.
gnomAD v4.1: 1 of 1,611,320 alleles (0.000062%); highest among the groups gnomAD compares: Non-Finnish European, 0.000085%; no homozygotes.

Submission:

Labcorp Genetics (formerly Invitae), Labcorp
Classification: Uncertain significance for Early-infantile DEE. Last evaluated: 2024-05-15. Review status: criteria provided, single submitter. Criteria: Invitae Variant Classification Sherloc (09022015). Collection method: clinical testing. Allele origin: germline.
Comment: This sequence change replaces valine, which is neutral and non-polar, with methionine, which is neutral and non-polar, at codon 237 of the SCN1A protein (p.Val237Met). This variant is not present in population databases (gnomAD no frequency). This variant has not been reported in the literature in individuals affected with SCN1A-related conditions. Advanced modeling of protein sequence and biophysical properties (such as structural, functional, and spatial information, amino acid conservation, physicochemical variation, residue mobility, and thermodynamic stability) performed at Invitae indicates that this missense variant is expected to disrupt SCN1A protein function with a positive predictive value of 95%. In summary, the available evidence is currently insufficient to determine the role of this variant in disease. Therefore, it has been classified as a Variant of Uncertain Significance.